The following is an entry in ClinVar:

NM_001271.4(CHD2):c.1397G>A (p.Arg466Gln)

Gene: CHD2 (chromodomain helicase DNA binding protein 2; plus strand). Cytogenetic location: 15q26.1.
Variant type: single nucleotide variant.
Coding change: c.1397G>A on transcript NM_001271.4 (MANE Select); coding-DNA position 1397, G replaced by A.
Protein change: p.Arg466Gln; replaces arginine 466 with glutamine.
Molecular consequence: missense variant.
Genome position (GRCh38, 1-based): chr15:92,948,971, G>A. VCF-style: chr15-92948971-G-A. GRCh37 (hg19) VCF-style: chr15-93492201-G-A.
Other names: c.1397G>A, p.Arg466Gln (NM_001042572.3); short protein forms R466Q.
Identifiers: ClinVar variation 3701805 (VCV003701805.2).

ClinVar aggregate classification (germline): Uncertain significance (1 of 4 stars; one submission).

Conditions:
Developmental and epileptic encephalopathy 94 (DEE94). Also called: CHD2-Related Neurodevelopmental Disorders; Epileptic encephalopathy, childhood-onset. Identifiers: Orphanet 1942, Orphanet 2382, MedGen C3809278, MONDO:0014150, OMIM 615369.

gnomAD v4.1: 1 of 1,613,652 alleles (0.000062%); highest among the groups gnomAD compares: Non-Finnish European, 0.000085%; no homozygotes.

Submission:

Labcorp Genetics (formerly Invitae), Labcorp
Classification: Uncertain significance for Developmental and epileptic encephalopathy 94. Last evaluated: 2024-10-21. Review status: criteria provided, single submitter. Criteria: Invitae Variant Classification Sherloc (09022015). Collection method: clinical testing. Allele origin: germline.
Comment: This sequence change replaces arginine, which is basic and polar, with glutamine, which is neutral and polar, at codon 466 of the CHD2 protein (p.Arg466Gln). This variant is not present in population databases (gnomAD no frequency). This variant has not been reported in the literature in individuals affected with CHD2-related conditions. Invitae Evidence Modeling of protein sequence and biophysical properties (such as structural, functional, and spatial information, amino acid conservation, physicochemical variation, residue mobility, and thermodynamic stability) indicates that this missense variant is not expected to disrupt CHD2 protein function with a negative predictive value of 95%. In summary, the available evidence is currently insufficient to determine the role of this variant in disease. Therefore, it has been classified as a Variant of Uncertain Significance.